The following is an entry in ClinVar:

NM_001081.4(CUBN):c.8635C>G (p.Leu2879Val)

Gene: CUBN (cubilin; minus strand). Cytogenetic location: 10p13.
Variant type: single nucleotide variant.
Coding change: c.8635C>G on transcript NM_001081.4 (MANE Select); coding-DNA position 8635, C replaced by G.
Protein change: p.Leu2879Val; replaces leucine 2879 with valine.
Molecular consequence: missense variant.
Genome position (GRCh38, 1-based): chr10:16,890,491, G>C on the plus strand (C>G on the coding strand, the complement: CUBN is on the minus strand). VCF-style: chr10-16890491-G-C. GRCh37 (hg19) VCF-style: chr10-16932490-G-C.
Other names: short protein forms L2879V.
Identifiers: ClinVar variation 1349095 (VCV001349095.6), dbSNP rs1801238, ClinGen allele CA5422965.
Genomic context (GRCh38, chr10:16,890,491, plus strand): 5'-TGAATGTGTTACTTGGTGTGATAACGGGACCCGGAGCCACGTTCCCACAGCCAGTGGCTA[G>C]CAGGGCTTTGTCCACCTCCTCAGTTCCTGCCCACACCTAGCACGGACATACACAGAACTT-3'
Protein context (NP_001072.2, residues 2869-2889): AGTEEVDKAL[Leu2879Val]ATGCGNVAPG

ClinVar aggregate classification (germline): Uncertain significance (1 of 4 stars; one submission).

Conditions:
Imerslund-Grasbeck syndrome. Also called: ENTEROCYTE COBALAMIN MALABSORPTION; ENTEROCYTE INTRINSIC FACTOR RECEPTOR, DEFECT OF; Imerslund-Gräsbeck syndrome; PERNICIOUS ANEMIA, JUVENILE, DUE TO SELECTIVE INTESTINAL MALABSORPTION OF VITAMIN B12, WITH PROTEINURIA; Megaloblastic anemia due to inborn errors of metabolism. Identifiers: Orphanet 35858, MedGen C4551825, MONDO:0009853.

Submission:

Labcorp Genetics (formerly Invitae), Labcorp
Classification: Uncertain significance for Imerslund-Grasbeck syndrome. Last evaluated: 2022-08-09. Review status: criteria provided, single submitter. Criteria: Invitae Variant Classification Sherloc (09022015). Collection method: clinical testing. Allele origin: germline.
Comment: This variant is present in population databases (rs1801238, gnomAD 0.006%). This variant has not been reported in the literature in individuals affected with CUBN-related conditions. ClinVar contains an entry for this variant (Variation ID: 1349095). Algorithms developed to predict the effect of missense changes on protein structure and function are either unavailable or do not agree on the potential impact of this missense change (SIFT: "Tolerated"; PolyPhen-2: "Probably Damaging"; Align-GVGD: "Class C0"). Algorithms developed to predict the effect of sequence changes on RNA splicing suggest that this variant may create or strengthen a splice site. In summary, the available evidence is currently insufficient to determine the role of this variant in disease. Therefore, it has been classified as a Variant of Uncertain Significance. This sequence change replaces leucine, which is neutral and non-polar, with valine, which is neutral and non-polar, at codon 2879 of the CUBN protein (p.Leu2879Val).